The following is an entry in ClinVar:

ClinVar aggregate classification (germline): Uncertain significance. Review status: criteria provided, multiple submitters, no conflicts (2 of 4 stars). 2 submissions from 2 submitters: Uncertain significance (2). Last evaluated 2025-11-17.

Conditions:
Hereditary cancer-predisposing syndrome. Also called: Hereditary neoplastic syndrome; Tumor predisposition; Neoplastic Syndromes, Hereditary; Hereditary Cancer Syndrome. Identifiers: Orphanet 140162, MedGen C0027672, MeSH D009386, MONDO:0015356.
Multiple endocrine neoplasia, type 1 (MEN1). Also called: MEN I; WERMER SYNDROME; Endocrine adenomatosis multiple; MEN 1; MEA I. Identifiers: Orphanet 652, MedGen C0025267, MeSH D018761, MONDO:0007540, OMIM 131100.

Submissions (2):

Labcorp Genetics (formerly Invitae), Labcorp
Classification: Uncertain significance for Multiple endocrine neoplasia, type 1. Last evaluated: 2025-11-17. Review status: criteria provided, single submitter. Criteria: Invitae Variant Classification Sherloc (09022015). Collection method: clinical testing. Allele origin: germline.
Comment: This sequence change replaces glutamic acid, which is acidic and polar, with lysine, which is basic and polar, at codon 31 of the MEN1 protein (p.Glu31Lys). This variant is not present in population databases (gnomAD no frequency). This variant has not been reported in the literature in individuals affected with MEN1-related conditions. ClinVar contains an entry for this variant (Variation ID: 964132). Invitae Evidence Modeling of protein sequence and biophysical properties (such as structural, functional, and spatial information, amino acid conservation, physicochemical variation, residue mobility, and thermodynamic stability) indicates that this missense variant is expected to disrupt MEN1 protein function with a positive predictive value of 95%. In summary, the available evidence is currently insufficient to determine the role of this variant in disease. Therefore, it has been classified as a Variant of Uncertain Significance.

Ambry Genetics
Classification: Uncertain significance for Hereditary cancer-predisposing syndrome. Last evaluated: 2023-10-08. Review status: criteria provided, single submitter. Criteria: Ambry Variant Classification Scheme 2023. Collection method: clinical testing. Allele origin: germline.
Comment: The p.E31K variant (also known as c.91G>A), located in coding exon 1 of the MEN1 gene, results from a G to A substitution at nucleotide position 91. The glutamic acid at codon 31 is replaced by lysine, an amino acid with similar properties. This amino acid position is conserved. In addition, this alteration is predicted to be deleterious by in silico analysis. Since supporting evidence is limited at this time, the clinical significance of this alteration remains unclear.

NM_001370259.2(MEN1):c.91G>A (p.Glu31Lys)

Gene: MEN1 (menin 1; minus strand). Cytogenetic location: 11q13.1.
Variant type: single nucleotide variant.
Coding change: c.91G>A on transcript NM_001370259.2 (MANE Select); coding-DNA position 91, G replaced by A.
Protein change: p.Glu31Lys; replaces glutamic acid 31 with lysine.
Molecular consequence: missense variant.
Genome position (GRCh38, 1-based): chr11:64,810,019, C>T on the plus strand (G>A on the coding strand, the complement: MEN1 is on the minus strand). VCF-style: chr11-64810019-C-T. GRCh37 (hg19) VCF-style: chr11-64577491-C-T.
Other names: c.91G>A, p.Glu31Lys (NM_000244.4, NM_001370251.2, NM_001370260.2 and 9 more transcripts); short protein forms E31K.
Identifiers: ClinVar variation 964132 (VCV000964132.10), dbSNP rs1942017514, ClinGen allele CA381188006.